The following is an entry in ClinVar:

ClinVar aggregate classification (germline): Uncertain significance (1 of 4 stars; one submission).

Submission:

GeneDx
Classification: Uncertain significance. Last evaluated: 2026-02-05. Review status: criteria provided, single submitter. Criteria: GeneDx Variant Classification Process June 2021. Collection method: clinical testing. Allele origin: germline.
Comment: Not observed at significant frequency in large population cohorts (gnomAD); In silico analysis supports that this missense variant has a deleterious effect on protein structure/function; Has not been previously published as pathogenic or benign to our knowledge

NM_032217.5(ANKRD17):c.7691C>T (p.Pro2564Leu)

Gene: ANKRD17 (ankyrin repeat domain 17; minus strand). Cytogenetic location: 4q13.3.
Variant type: single nucleotide variant.
Coding change: c.7691C>T on transcript NM_032217.5 (MANE Select); coding-DNA position 7691, C replaced by T.
Protein change: p.Pro2564Leu; replaces proline 2564 with leucine.
Molecular consequence: missense variant.
Genome position (GRCh38, 1-based): chr4:73,077,001, G>A on the plus strand (C>T on the coding strand, the complement: ANKRD17 is on the minus strand). VCF-style: chr4-73077001-G-A. GRCh37 (hg19) VCF-style: chr4-73942718-G-A.
Other names: c.7352C>T, p.Pro2451Leu (NM_001286771.3); c.7688C>T, p.Pro2563Leu (NM_015574.2); c.6938C>T, p.Pro2313Leu (NM_198889.3); short protein forms P2313L, P2451L, P2563L, P2564L.
Identifiers: ClinVar variation 4975889 (VCV004975889.1).